The following is an entry in ClinVar:

NM_014727.3(KMT2B):c.7031C>T (p.Ala2344Val)

Gene: KMT2B (lysine methyltransferase 2B; plus strand). Cytogenetic location: 19q13.12.
Variant type: single nucleotide variant.
Coding change: c.7031C>T on transcript NM_014727.3 (MANE Select); coding-DNA position 7031, C replaced by T.
Protein change: p.Ala2344Val; replaces alanine 2344 with valine.
Molecular consequence: missense variant.
Genome position (GRCh38, 1-based): chr19:35,733,668, C>T. VCF-style: chr19-35733668-C-T. GRCh37 (hg19) VCF-style: chr19-36224569-C-T.
Other names: short protein forms A2344V.
Identifiers: ClinVar variation 2977221 (VCV002977221.3), dbSNP rs1416841554, ClinGen allele CA405431241.
Genomic context (GRCh38, chr19:35,733,668, plus strand): 5'-TGAGGATGAAAACCCCCACAGTGCGTGGGGTCCTTGACCTGGATCGGCCTGGGGAGCCCG[C>T]TGGGGAAGAAAGTCCTGGGTGAGTGGCCAGGCCCCTCTCCCTGGAGGGTCTGGGACCTCT-3'
Protein context (NP_055542.1, residues 2334-2354): VLDLDRPGEP[Ala2344Val]GEESPGPLQE

ClinVar aggregate classification (germline): Uncertain significance (1 of 4 stars; one submission).

Submission:

Labcorp Genetics (formerly Invitae), Labcorp
Classification: Uncertain significance. Last evaluated: 2023-06-22. Review status: criteria provided, single submitter. Criteria: Invitae Variant Classification Sherloc (09022015). Collection method: clinical testing. Allele origin: germline.
Comment: In summary, the available evidence is currently insufficient to determine the role of this variant in disease. Therefore, it has been classified as a Variant of Uncertain Significance. Advanced modeling of protein sequence and biophysical properties (such as structural, functional, and spatial information, amino acid conservation, physicochemical variation, residue mobility, and thermodynamic stability) performed at Invitae indicates that this missense variant is not expected to disrupt KMT2B protein function. This variant has not been reported in the literature in individuals affected with KMT2B-related conditions. This variant is not present in population databases (gnomAD no frequency). This sequence change replaces alanine, which is neutral and non-polar, with valine, which is neutral and non-polar, at codon 2344 of the KMT2B protein (p.Ala2344Val).